The following is an entry in ClinVar:

NM_020806.5(GPHN):c.941C>T (p.Thr314Ile)

Gene: GPHN (gephyrin; plus strand). Cytogenetic location: 14q23.3.
Variant type: single nucleotide variant.
Coding change: c.941C>T on transcript NM_020806.5 (MANE Select); coding-DNA position 941, C replaced by T.
Protein change: p.Thr314Ile; replaces threonine 314 with isoleucine.
Molecular consequence: missense variant.
Genome position (GRCh38, 1-based): chr14:66,965,303, C>T. VCF-style: chr14-66965303-C-T. GRCh37 (hg19) VCF-style: chr14-67432020-C-T.
Other names: c.842C>T, p.Thr281Ile (NM_001024218.2, NM_001377515.1, NM_001377516.1 and 2 more transcripts); c.881C>T, p.Thr294Ile (NM_001377514.1, NM_001377519.1); short protein forms T314I, T294I, T281I.
Identifiers: ClinVar variation 848369 (VCV000848369.9), dbSNP rs2069244587, ClinGen allele CA390257593.

ClinVar aggregate classification (germline): Uncertain significance (1 of 4 stars; one submission).

Conditions:
Sulfite oxidase deficiency due to molybdenum cofactor deficiency type C. Also called: Molybdenum cofactor deficiency, complementation group C; Molybdenum cofactor deficiency C. Identifiers: Orphanet 308400, Orphanet 833, MedGen C1854990, MONDO:0014212, OMIM 615501.

Submission:

Labcorp Genetics (formerly Invitae), Labcorp
Classification: Uncertain significance for Sulfite oxidase deficiency due to molybdenum cofactor deficiency type C. Last evaluated: 2019-02-02. Review status: criteria provided, single submitter. Criteria: Invitae Variant Classification Sherloc (09022015). Collection method: clinical testing. Allele origin: germline.
Comment: In summary, the available evidence is currently insufficient to determine the role of this variant in disease. Therefore, it has been classified as a Variant of Uncertain Significance. Algorithms developed to predict the effect of missense changes on protein structure and function are either unavailable or do not agree on the potential impact of this missense change (SIFT: "Deleterious"; PolyPhen-2: "Benign"; Align-GVGD: "Class C0"). This variant has not been reported in the literature in individuals with GPHN-related conditions. This variant is not present in population databases (ExAC no frequency). This sequence change replaces threonine with isoleucine at codon 314 of the GPHN protein (p.Thr314Ile). The threonine residue is moderately conserved and there is a moderate physicochemical difference between threonine and isoleucine.